The following is an entry in ClinVar:

NM_001430.5(EPAS1):c.1662G>C (p.Glu554Asp)

Gene: EPAS1 (endothelial PAS domain protein 1; plus strand). Cytogenetic location: 2p21.
Variant type: single nucleotide variant.
Coding change: c.1662G>C on transcript NM_001430.5 (MANE Select); coding-DNA position 1662, G replaced by C.
Protein change: p.Glu554Asp; replaces glutamic acid 554 with aspartic acid.
Molecular consequence: missense variant.
Genome position (GRCh38, 1-based): chr2:46,380,334, G>C. VCF-style: chr2-46380334-G-C. GRCh37 (hg19) VCF-style: chr2-46607473-G-C.
Other names: short protein forms E554D.
Identifiers: ClinVar variation 1777520 (VCV001777520.2), dbSNP rs1322238998, ClinGen allele CA346704612.

ClinVar aggregate classification (germline): Uncertain significance (1 of 4 stars; one submission).

Conditions:
Inborn genetic diseases. Identifiers: MedGen C0950123, MeSH D030342.

Allele frequency attached by ClinVar (database versions not stated): gnomAD exomes below 0.00001; TOPMed 0.00001.
gnomAD v4.1: 1 of 1,614,116 alleles (0.000062%); highest among the groups gnomAD compares: Admixed American, 0.0017%; no homozygotes.

Submission:

Ambry Genetics
Classification: Uncertain significance for Inborn genetic diseases. Last evaluated: 2023-09-25. Review status: criteria provided, single submitter. Criteria: Ambry Variant Classification Scheme 2023. Collection method: clinical testing. Allele origin: germline.
Comment: The p.E554D variant (also known as c.1662G>C), located in coding exon 12 of the EPAS1 gene, results from a G to C substitution at nucleotide position 1662. The glutamic acid at codon 554 is replaced by aspartic acid, an amino acid with highly similar properties. This amino acid position is conserved. In addition, this alteration is predicted to be tolerated by in silico analysis. Since supporting evidence is limited at this time, the clinical significance of this alteration remains unclear.